The following is an entry in ClinVar:

ClinVar aggregate classification (germline): Uncertain significance (1 of 4 stars; one submission).

Conditions:
Hereditary cancer-predisposing syndrome. Also called: Neoplastic Syndromes, Hereditary; Tumor predisposition; Hereditary neoplastic syndrome; Hereditary Cancer Syndrome. Identifiers: Orphanet 140162, MedGen C0027672, MeSH D009386, MONDO:0015356.

Allele frequency attached by ClinVar (database versions not stated): gnomAD exomes below 0.00001.
gnomAD v4.1: 1 of 1,614,122 alleles (0.000062%); highest among the groups gnomAD compares: Non-Finnish European, 0.000085%; no homozygotes.

Submission:

Ambry Genetics
Classification: Uncertain significance for Hereditary cancer-predisposing syndrome. Last evaluated: 2023-09-23. Review status: criteria provided, single submitter. Criteria: Ambry Variant Classification Scheme 2023. Collection method: clinical testing. Allele origin: germline.
Comment: The p.P617S variant (also known as c.1849C>T), located in coding exon 14 of the PTCH1 gene, results from a C to T substitution at nucleotide position 1849. The proline at codon 617 is replaced by serine, an amino acid with similar properties. This amino acid position is conserved. In addition, this alteration is predicted to be deleterious by in silico analysis. Since supporting evidence is limited at this time, the clinical significance of this alteration remains unclear.

NM_000264.5(PTCH1):c.1849C>T (p.Pro617Ser)

Genes: PTCH1 (patched 1; minus strand), LOC100507346 (uncharacterized LOC100507346; plus strand). Cytogenetic location: 9q22.32.
Variant type: single nucleotide variant.
Coding change: c.1849C>T on transcript NM_000264.5 (MANE Select); coding-DNA position 1849, C replaced by T.
Protein change: p.Pro617Ser; replaces proline 617 with serine.
Molecular consequence: missense variant. On other transcripts: non-coding transcript variant (2).
Genome position (GRCh38, 1-based): chr9:95,469,152, G>A on the plus strand (C>T on the coding strand, the complement: PTCH1 is on the minus strand). VCF-style: chr9-95469152-G-A. GRCh37 (hg19) VCF-style: chr9-98231434-G-A.
Other names: c.1651C>T, p.Pro551Ser (NM_001083602.3); c.1846C>T, p.Pro616Ser (NM_001083603.3); c.1396C>T, p.Pro466Ser (NM_001083604.3, NM_001083605.3, NM_001083606.3 and 1 more transcripts); c.1693C>T, p.Pro565Ser (NM_001354918.2); short protein forms P466S, P551S, P565S, P616S, P617S.
Identifiers: ClinVar variation 3230959 (VCV003230959.1), dbSNP rs2118062379, ClinGen allele CA374116195.